The following is an entry in ClinVar:

ClinVar aggregate classification (germline): Uncertain significance (1 of 4 stars; one submission).

Conditions:
Fanconi anemia (FA). Also called: Fanconi's anemia. Identifiers: Orphanet 84, MedGen C0015625, MeSH D005199, MONDO:0019391.

Submission:

Labcorp Genetics (formerly Invitae), Labcorp
Classification: Uncertain significance for Fanconi anemia. Last evaluated: 2021-09-02. Review status: criteria provided, single submitter. Criteria: Invitae Variant Classification Sherloc (09022015). Collection method: clinical testing. Allele origin: germline.
Comment: This sequence change replaces serine with threonine at codon 1000 of the FANCI protein (p.Ser1000Thr). The serine residue is highly conserved and there is a small physicochemical difference between serine and threonine. This variant is not present in population databases (ExAC no frequency). This variant has not been reported in the literature in individuals affected with FANCI-related conditions. Algorithms developed to predict the effect of missense changes on protein structure and function are either unavailable or do not agree on the potential impact of this missense change (SIFT: "Tolerated"; PolyPhen-2: "Probably Damaging"; Align-GVGD: "Class C0"). In summary, the available evidence is currently insufficient to determine the role of this variant in disease. Therefore, it has been classified as a Variant of Uncertain Significance.

NM_001113378.2(FANCI):c.2998T>A (p.Ser1000Thr)

Gene: FANCI (FA complementation group I; plus strand). Cytogenetic location: 15q26.1.
Variant type: single nucleotide variant.
Coding change: c.2998T>A on transcript NM_001113378.2 (MANE Select); coding-DNA position 2998, T replaced by A.
Protein change: p.Ser1000Thr; replaces serine 1000 with threonine.
Molecular consequence: missense variant.
Genome position (GRCh38, 1-based): chr15:89,301,434, T>A. VCF-style: chr15-89301434-T-A. GRCh37 (hg19) VCF-style: chr15-89844665-T-A.
Other names: c.2719T>A, p.Ser907Thr (NM_001376910.1); c.2998T>A, p.Ser1000Thr (NM_001376911.1); c.2818T>A, p.Ser940Thr (NM_018193.3); short protein forms S940T, S907T, S1000T.
Identifiers: ClinVar variation 1504090 (VCV001504090.3), dbSNP rs2151859745, ClinGen allele CA393738007.
Genomic context (GRCh38, chr15:89,301,434, plus strand): 5'-AAAGAAGCCCTCCTGCTAGTCACGGTTCTTACCAGTTTGTCCAAGTTACTGGAGCCCTCC[T>A]CTCCTCAGGTACTAGTACCGCTAACTTAATCCCATTTAGCATTCCTCAGAAGGCAAGGAT-3'
Protein context (NP_001106849.1, residues 990-1010): TSLSKLLEPS[Ser1000Thr]PQFVQMLSWT